The following is an entry in ClinVar:

ClinVar aggregate classification (germline): Uncertain significance. Review status: criteria provided, multiple submitters, no conflicts (2 of 4 stars). 2 submissions from 2 submitters: Uncertain significance (2). Last evaluated 2023-11-28.

Conditions:
POLD1-related polyposis and colorectal cancer syndrome (CRCS10). Also called: Colorectal cancer, susceptibility to, 10; Colorectal cancer 10; COLORECTAL CANCER, SUSCEPTIBILITY TO, ON CHROMOSOME 19q. Identifiers: Orphanet 220460, MedGen C2675481, MONDO:0012953, OMIM 612591.
Hereditary cancer-predisposing syndrome. Also called: Hereditary Cancer Syndrome; Hereditary neoplastic syndrome; Neoplastic Syndromes, Hereditary; Tumor predisposition. Identifiers: Orphanet 140162, MedGen C0027672, MeSH D009386, MONDO:0015356.

Submissions (2):

Labcorp Genetics (formerly Invitae), Labcorp
Classification: Uncertain significance for POLD1-related polyposis and colorectal cancer syndrome. Last evaluated: 2023-11-28. Review status: criteria provided, single submitter. Criteria: Invitae Variant Classification Sherloc (09022015). Collection method: clinical testing. Allele origin: germline.
Comment: This sequence change creates a premature translational stop signal (p.Gln33*) in the POLD1 gene. Missense variants that disrupt the 3'-5' exonuclease (proof-reading) activity of the POLD1 protein are associated with PPAP (polymerase proofreading–associated polyposis) (PMID: 23263490, 23447401). However, loss-of-function variants that result in an absent or severely disrupted POLD1 protein, and missense variants outside the exonuclease domain, are unlikely to be associated with PPAP. This variant is not present in population databases (gnomAD no frequency). This variant has not been reported in the literature in individuals affected with POLD1-related conditions. ClinVar contains an entry for this variant (Variation ID: 823487). In summary, the available evidence is currently insufficient to determine the role of this variant in disease. Therefore, it has been classified as a Variant of Uncertain Significance.

Ambry Genetics
Classification: Uncertain significance for Hereditary cancer-predisposing syndrome. Last evaluated: 2019-09-18. Review status: criteria provided, single submitter. Criteria: Ambry Variant Classification Scheme 2023. Collection method: clinical testing. Allele origin: germline.
Comment: The p.Q33* variant (also known as c.97C>T), located in coding exon 1 of the POLD1 gene, results from a C to T substitution at nucleotide position 97. This changes the amino acid from a glutamine to a stop codon within coding exon 1. This alteration is expected to result in loss of function by premature protein truncation or nonsense-mediated mRNA decay. However, loss of function of POLD1 has not been clearly established as a mechanism of disease. Since supporting evidence is limited at this time, the clinical significance of this alteration remains unclear.

Literature cited by the submitters: PubMed 23263490 (cited by Labcorp Genetics (formerly Invitae), Labcorp); PubMed 23447401 (cited by Labcorp Genetics (formerly Invitae), Labcorp).

NM_002691.4(POLD1):c.97C>T (p.Gln33Ter)

Gene: POLD1 (DNA polymerase delta 1, catalytic subunit; plus strand). Cytogenetic location: 19q13.33.
Variant type: single nucleotide variant.
Coding change: c.97C>T on transcript NM_002691.4 (MANE Select); coding-DNA position 97, C replaced by T.
Protein change: p.Gln33Ter; replaces glutamine 33 with a stop codon.
Molecular consequence: nonsense. On other transcripts: non-coding transcript variant (1).
Genome position (GRCh38, 1-based): chr19:50,398,948, C>T. VCF-style: chr19-50398948-C-T. GRCh37 (hg19) VCF-style: chr19-50902205-C-T.
Other names: c.97C>T, p.Gln33Ter (NM_001256849.1, NM_001308632.1); short protein forms Q33*.
Identifiers: ClinVar variation 823487 (VCV000823487.7), dbSNP rs1601189076, ClinGen allele CA406970127.